The following is an entry in ClinVar:

ClinVar aggregate classification (germline): Likely benign. Review status: criteria provided, single submitter (1 of 4 stars). 2 submissions from 2 submitters: Likely benign (1). 1 of the submissions does not count toward it. Last evaluated 2026-01-13.

Conditions:
Combined malonic and methylmalonic acidemia. Identifiers: Orphanet 289504, MedGen C3280314, MONDO:0013661, OMIM 614265.
ACSF3-related disorder. Also called: ACSF3-related condition.

Allele frequency attached by ClinVar (database versions not stated): gnomAD exomes 0.00008; ExAC 0.00010; gnomAD 0.00012 and 0.00015; TOPMed 0.00017.
gnomAD v4.1: 65 of 1,607,510 alleles (0.004%); highest among the groups gnomAD compares: African/African-American, 0.036%; 1 homozygote.

Submissions (2):

Labcorp Genetics (formerly Invitae), Labcorp
Classification: Likely benign for Combined malonic and methylmalonic acidemia. Last evaluated: 2026-01-13. Review status: criteria provided, single submitter. Criteria: Invitae Variant Classification Sherloc (09022015). Collection method: clinical testing. Allele origin: germline.

PreventionGenetics, part of Exact Sciences
Classification: Likely benign for ACSF3-related condition. Last evaluated: 2019-08-01. Review status: no assertion criteria provided. Collection method: clinical testing. Allele origin: germline. Not counted in ClinVar's aggregate classification.
Comment: This variant is classified as likely benign based on ACMG/AMP sequence variant interpretation guidelines (Richards et al. 2015 PMID: 25741868, with internal and published modifications).

NM_001243279.3(ACSF3):c.72G>A (p.Ala24=)

Gene: ACSF3 (acyl-CoA synthetase family member 3; plus strand). Cytogenetic location: 16q24.3.
Variant type: single nucleotide variant.
Coding change: c.72G>A on transcript NM_001243279.3 (MANE Select); coding-DNA position 72, G replaced by A.
Protein change: p.Ala24=; no amino-acid change (alanine 24 retained).
Molecular consequence: synonymous variant. On other transcripts: non-coding transcript variant (3), intron variant (1).
Genome position (GRCh38, 1-based): chr16:89,100,753, G>A. VCF-style: chr16-89100753-G-A. GRCh37 (hg19) VCF-style: chr16-89167161-G-A.
Other names: c.72G>A, p.Ala24= (NM_001127214.4, NM_174917.5); c.-129-1851G>A (NM_001284316.2); c.72G>A (NM_174917.4).
Identifiers: ClinVar variation 1085511 (VCV001085511.11), dbSNP rs752720474, ClinGen allele CA8237539.
Genomic context (GRCh38, chr16:89,100,753, plus strand): 5'-TGTGGTGCTCACCTTCCGGCGCCTGGGCTGCGCCTTGGCGTCCTGCCGGCTGGCGCCTGC[G>A]AGACACAGAGGAAGTGGTCTTCTGCACACAGCCCCAGTGGCCCGCTCGGACAGGAGCGCC-3'
Protein context (NP_001230208.1, residues 14-34): CALASCRLAP[Ala24=]RHRGSGLLHT